The following is an entry in ClinVar:

NM_000399.5(EGR2):c.711C>A (p.Asp237Glu)

Gene: EGR2 (early growth response 2; minus strand). Cytogenetic location: 10q21.3.
Variant type: single nucleotide variant.
Coding change: c.711C>A on transcript NM_000399.5 (MANE Select); coding-DNA position 711, C replaced by A.
Protein change: p.Asp237Glu; replaces aspartic acid 237 with glutamic acid.
Molecular consequence: missense variant.
Genome position (GRCh38, 1-based): chr10:62,813,927, G>T on the plus strand (C>A on the coding strand, the complement: EGR2 is on the minus strand). VCF-style: chr10-62813927-G-T. GRCh37 (hg19) VCF-style: chr10-64573687-G-T.
Other names: c.711C>A, p.Asp237Glu (NM_001136177.3, NM_001136178.2); c.561C>A, p.Asp187Glu (NM_001136179.3, NM_001321037.2); short protein forms D187E, D237E.
Identifiers: ClinVar variation 845414 (VCV000845414.45), dbSNP rs1011150442, ClinGen allele CA208351706.

ClinVar aggregate classification (germline): Uncertain significance. Review status: criteria provided, multiple submitters, no conflicts (2 of 4 stars). 3 submissions from 3 submitters: Uncertain significance (3). Last evaluated 2024-06-16.

Conditions:
Inborn genetic diseases. Identifiers: MedGen C0950123, MeSH D030342.
Charcot-Marie-Tooth disease, type I (CMT1). Also called: Charcot-Marie-Tooth, Type 1; Charcot-Marie-Tooth disease type 1. Identifiers: Orphanet 65753, MedGen C0751036, MONDO:0019011.

Allele frequency attached by ClinVar (database versions not stated): gnomAD exomes 0.00001 and 0.00003; TOPMed 0.00002; gnomAD 0.00003 and 0.00004.
gnomAD v4.1: 48 of 1,614,108 alleles (0.003%); highest among the groups gnomAD compares: Non-Finnish European, 0.0037%; no homozygotes.

Submissions (3):

Ambry Genetics
Classification: Uncertain significance for Inborn genetic diseases. Last evaluated: 2024-06-16. Review status: criteria provided, single submitter. Criteria: Ambry Variant Classification Scheme 2023. Collection method: clinical testing. Allele origin: germline.
Comment: The alteration results in an amino acid change: The c.711C>A (p.D237E) alteration is located in coding exon 2 of the EGR2 gene. This alteration results from a C to A substitution at nucleotide position 711, causing the aspartic acid (D) at amino acid position 237 to be replaced by a glutamic acid (E). The alteration has been observed in population databases: Based on data from the Genome Aggregation Database (gnomAD), the c.711C>A alteration was observed in 0.0018% (5/282,872) of total alleles studied, with a frequency of 0.0039% (5/129,186) in the European, non-Finnish subpopulation. The altered amino acid is conserved throughout evolution: The p.D237 amino acid is conserved in available vertebrate species, except in zebra finch, Atlantic cod, and lamprey. The alteration is predicted benign by in silico models: The p.D237E alteration is predicted to be benign by Polyphen and tolerated by SIFT in silico analyses. Based on insufficient or conflicting evidence, the clinical significance of this alteration remains unclear.

Labcorp Genetics (formerly Invitae), Labcorp
Classification: Uncertain significance for Charcot-Marie-Tooth disease, type I. Last evaluated: 2024-05-15. Review status: criteria provided, single submitter. Criteria: Invitae Variant Classification Sherloc (09022015). Collection method: clinical testing. Allele origin: germline.
Comment: This sequence change replaces aspartic acid, which is acidic and polar, with glutamic acid, which is acidic and polar, at codon 237 of the EGR2 protein (p.Asp237Glu). This variant is present in population databases (no rsID available, gnomAD 0.004%). This variant has not been reported in the literature in individuals affected with EGR2-related conditions. ClinVar contains an entry for this variant (Variation ID: 845414). Advanced modeling of protein sequence and biophysical properties (such as structural, functional, and spatial information, amino acid conservation, physicochemical variation, residue mobility, and thermodynamic stability) performed at Invitae indicates that this missense variant is not expected to disrupt EGR2 protein function with a negative predictive value of 80%. In summary, the available evidence is currently insufficient to determine the role of this variant in disease. Therefore, it has been classified as a Variant of Uncertain Significance.

CeGaT Center for Human Genetics Tuebingen
Classification: Uncertain significance. Last evaluated: 2023-08-01. Review status: criteria provided, single submitter. Criteria: CeGaT Center For Human Genetics Tuebingen Variant Classification Criteria Version 2. Collection method: clinical testing. Allele origin: germline. Affected: yes. Observed: 2 variant alleles.
Comment: EGR2: PM2